The following is an entry in ClinVar:

ClinVar aggregate classification (germline): Uncertain significance (1 of 4 stars; one submission).

Submission:

Labcorp Genetics (formerly Invitae), Labcorp
Classification: Uncertain significance. Last evaluated: 2022-02-04. Review status: criteria provided, single submitter. Criteria: Invitae Variant Classification Sherloc (09022015). Collection method: clinical testing. Allele origin: germline.
Comment: This sequence change replaces alanine, which is neutral and non-polar, with proline, which is neutral and non-polar, at codon 848 of the TUBGCP6 protein (p.Ala848Pro). This variant is not present in population databases (gnomAD no frequency). This variant has not been reported in the literature in individuals affected with TUBGCP6-related conditions. ClinVar contains an entry for this variant (Variation ID: 1063599). Algorithms developed to predict the effect of missense changes on protein structure and function output the following: SIFT: "Tolerated"; PolyPhen-2: "Benign"; Align-GVGD: "Class C0". The proline amino acid residue is found in multiple mammalian species, which suggests that this missense change does not adversely affect protein function. In summary, the available evidence is currently insufficient to determine the role of this variant in disease. Therefore, it has been classified as a Variant of Uncertain Significance.

NM_020461.4(TUBGCP6):c.2542G>C (p.Ala848Pro)

Gene: TUBGCP6 (tubulin gamma complex component 6; minus strand). Cytogenetic location: 22q13.33.
Variant type: single nucleotide variant.
Coding change: c.2542G>C on transcript NM_020461.4 (MANE Select); coding-DNA position 2542, G replaced by C.
Protein change: p.Ala848Pro; replaces alanine 848 with proline.
Molecular consequence: missense variant.
Genome position (GRCh38, 1-based): chr22:50,221,817, C>G on the plus strand (G>C on the coding strand, the complement: TUBGCP6 is on the minus strand). VCF-style: chr22-50221817-C-G. GRCh37 (hg19) VCF-style: chr22-50660246-C-G.
Other names: short protein forms A848P.
Identifiers: ClinVar variation 1063599 (VCV001063599.9), dbSNP rs2147180810, ClinGen allele CA412097578.